The following is an entry in ClinVar:

NM_004787.4(SLIT2):c.3350T>C (p.Met1117Thr)

Gene: SLIT2 (slit guidance ligand 2; plus strand). Cytogenetic location: 4p15.31.
Variant type: single nucleotide variant.
Coding change: c.3350T>C on transcript NM_004787.4 (MANE Select); coding-DNA position 3350, T replaced by C.
Protein change: p.Met1117Thr; replaces methionine 1117 with threonine.
Molecular consequence: missense variant.
Genome position (GRCh38, 1-based): chr4:20,596,444, T>C. VCF-style: chr4-20596444-T-C. GRCh37 (hg19) VCF-style: chr4-20598067-T-C.
Other names: c.3338T>C, p.Met1113Thr (NM_001289135.3); c.3326T>C, p.Met1109Thr (NM_001289136.3); short protein forms M1109T, M1113T, M1117T.
Identifiers: ClinVar variation 2579574 (VCV002579574.1), dbSNP rs1727985587, ClinGen allele CA356470087.

ClinVar aggregate classification (germline): Uncertain significance (1 of 4 stars; one submission).

Submission:

GeneDx
Classification: Uncertain significance. Last evaluated: 2023-03-06. Review status: criteria provided, single submitter. Criteria: GeneDx Variant Classification Process June 2021. Collection method: clinical testing. Allele origin: germline. Affected: yes.
Comment: Not observed at significant frequency in large population cohorts (gnomAD); In silico analysis supports that this missense variant has a deleterious effect on protein structure/function; Has not been previously published as pathogenic or benign to our knowledge